The following is an entry in ClinVar:

NM_018062.4(FANCL):c.89C>A (p.Ser30Ter)

Gene: FANCL (FA complementation group L; minus strand). Cytogenetic location: 2p16.1.
Variant type: single nucleotide variant.
Coding change: c.89C>A on transcript NM_018062.4 (MANE Select); coding-DNA position 89, C replaced by A.
Protein change: p.Ser30Ter; replaces serine 30 with a stop codon.
Molecular consequence: nonsense.
Genome position (GRCh38, 1-based): chr2:58,241,225, G>T on the plus strand (C>A on the coding strand, the complement: FANCL is on the minus strand). VCF-style: chr2-58241225-G-T. GRCh37 (hg19) VCF-style: chr2-58468360-G-T.
Other names: c.89C>A, p.Ser30Ter (NM_001114636.2, NM_001374615.1, NM_001410792.1); short protein forms S30*.
Identifiers: ClinVar variation 2675666 (VCV002675666.5), dbSNP rs763615183, ClinGen allele CA1670818.

ClinVar aggregate classification (germline): Pathogenic/Likely pathogenic. Review status: criteria provided, multiple submitters, no conflicts (2 of 4 stars). 2 submissions from 2 submitters: Pathogenic (1); Likely pathogenic (1). Last evaluated 2023-12-02.

Conditions:
Fanconi anemia (FA). Also called: Fanconi's anemia. Identifiers: Orphanet 84, MedGen C0015625, MeSH D005199, MONDO:0019391.
Fanconi anemia complementation group L (FANCL). Also called: FANCL-Related Fanconi Anemia. Identifiers: Orphanet 84, MedGen C3469528, MONDO:0013566, OMIM 614083.

gnomAD v4.1: 2 of 1,614,254 alleles (0.00012%); no homozygotes.

Submissions (2):

Baylor Genetics
Classification: Likely pathogenic for Fanconi anemia complementation group L. Last evaluated: 2023-12-02. Review status: criteria provided, single submitter. Criteria: ACMG Guidelines, 2015. Collection method: clinical testing. Allele origin: unknown.

Labcorp Genetics (formerly Invitae), Labcorp
Classification: Pathogenic for Fanconi anemia. Last evaluated: 2023-02-24. Review status: criteria provided, single submitter. Criteria: Invitae Variant Classification Sherloc (09022015). Collection method: clinical testing. Allele origin: germline.
Comment: For these reasons, this variant has been classified as Pathogenic. This variant has not been reported in the literature in individuals affected with FANCL-related conditions. This variant is present in population databases (rs763615183, gnomAD 0.02%). This sequence change creates a premature translational stop signal (p.Ser30*) in the FANCL gene. It is expected to result in an absent or disrupted protein product. Loss-of-function variants in FANCL are known to be pathogenic (PMID: 19405097, 23613520).

Literature cited by the submitters: PubMed 19405097 (cited by Labcorp Genetics (formerly Invitae), Labcorp); PubMed 23613520 (cited by Labcorp Genetics (formerly Invitae), Labcorp).